The following is an entry in ClinVar:

ClinVar aggregate classification (germline): Benign. Review status: criteria provided, multiple submitters, no conflicts (2 of 4 stars). 2 submissions from 2 submitters: Benign (2). Last evaluated 2018-01-13.

Conditions:
Hydatidiform mole, recurrent, 1 (HYDM1). Identifiers: Orphanet 254688, Orphanet 99927, MedGen C3463897, MONDO:0009273, OMIM 231090. Disease mechanism: loss of function.

Allele frequency attached by ClinVar (database versions not stated): 1000 Genomes Project 0.08926; ExAC 0.05911; TOPMed 0.08951; 1000 Genomes Project 30x 0.09244; ESP Exome Variant Server 0.09503.
gnomAD v4.1: 73,203 of 1,562,746 alleles (4.7%); highest among the groups gnomAD compares: African/African-American, 22%; 2,674 homozygotes.

Submissions (2):

Illumina Laboratory Services, Illumina
Classification: Benign for Hydatidiform mole, recurrent, 1. Last evaluated: 2018-01-13. Review status: criteria provided, single submitter. Criteria: ICSL Variant Classification Criteria 13 December 2019. Collection method: clinical testing. Allele origin: germline.
Comment: This variant was observed in the ICSL laboratory as part of a predisposition screen in an ostensibly healthy population. It had not been previously curated by ICSL or reported in the Human Gene Mutation Database (HGMD: prior to June 1st, 2018), and was therefore a candidate for classification through an automated scoring system. Utilizing variant allele frequency, disease prevalence and penetrance estimates, and inheritance mode, an automated score was calculated to assess if this variant is too frequent to cause the disease. Based on the score and internal cut-off values, a variant classified as benign is not then subjected to further curation. The score for this variant resulted in a classification of benign for this disease.

Breakthrough Genomics
Classification: Benign. Review status: criteria provided, single submitter. Criteria: ACMG Guidelines, 2015. Collection method: not provided. Allele origin: germline. Inheritance: Autosomal recessive inheritance. Affected: yes.

NM_001127255.2(NLRP7):c.1491C>T (p.Ile497=)

Gene: NLRP7 (NLR family pyrin domain containing 7; minus strand). Cytogenetic location: 19q13.42.
Variant type: single nucleotide variant.
Coding change: c.1491C>T on transcript NM_001127255.2 (MANE Select); coding-DNA position 1491, C replaced by T.
Protein change: p.Ile497=; no amino-acid change (isoleucine 497 retained).
Molecular consequence: synonymous variant.
Genome position (GRCh38, 1-based): chr19:54,939,328, G>A on the plus strand (C>T on the coding strand, the complement: NLRP7 is on the minus strand). VCF-style: chr19-54939328-G-A. GRCh37 (hg19) VCF-style: chr19-55450696-G-A.
Other names: c.1491C>T, p.Ile497= (NM_001405531.1, NM_139176.4, NM_206828.4).
Identifiers: ClinVar variation 330167 (VCV000330167.8), dbSNP rs775880, ClinGen allele CA310017750.